The following is an entry in ClinVar:

NM_001205293.3(CACNA1E):c.2444G>A (p.Ser815Asn)

Gene: CACNA1E (calcium voltage-gated channel subunit alpha1 E; plus strand). Cytogenetic location: 1q25.3.
Variant type: single nucleotide variant.
Coding change: c.2444G>A on transcript NM_001205293.3 (MANE Select); coding-DNA position 2444, G replaced by A.
Protein change: p.Ser815Asn; replaces serine 815 with asparagine.
Molecular consequence: missense variant.
Genome position (GRCh38, 1-based): chr1:181,732,530, G>A. VCF-style: chr1-181732530-G-A. GRCh37 (hg19) VCF-style: chr1-181701666-G-A.
Other names: c.2444G>A, p.Ser815Asn (NM_000721.4); c.2387G>A, p.Ser796Asn (NM_001205294.2); short protein forms S796N, S815N.
Identifiers: ClinVar variation 2576900 (VCV002576900.1), dbSNP rs1558319255, ClinGen allele CA343617361.

ClinVar aggregate classification (germline): Uncertain significance (1 of 4 stars; one submission).

Allele frequency attached by ClinVar (database versions not stated): gnomAD exomes below 0.00001.
gnomAD v4.1: 1 of 1,551,302 alleles (0.000064%); no homozygotes.

Submission:

GeneDx
Classification: Uncertain significance. Last evaluated: 2023-02-17. Review status: criteria provided, single submitter. Criteria: GeneDx Variant Classification Process June 2021. Collection method: clinical testing. Allele origin: germline. Affected: yes.
Comment: In silico analysis supports that this missense variant does not alter protein structure/function; Has not been previously published as pathogenic or benign to our knowledge